The following is an entry in ClinVar:

ClinVar aggregate classification (germline): Pathogenic/Likely pathogenic. Review status: criteria provided, multiple submitters, no conflicts (2 of 4 stars). 2 submissions from 2 submitters: Pathogenic (1); Likely pathogenic (1). Last evaluated 2025-10-21.

Conditions:
Hereditary pheochromocytoma and paraganglioma. Also called: Hereditary paragangliomas and pheochromocytomas; Hereditary Paraganglioma-Pheochromocytoma Syndromes; Hereditary pheochromocytoma-paraganglioma. Identifiers: Orphanet 29072, MedGen C4274332, MONDO:0017366.

Submissions (2):

Quest Diagnostics Nichols Institute San Juan Capistrano
Classification: Likely pathogenic. Last evaluated: 2025-10-21. Review status: criteria provided, single submitter. Criteria: Quest Diagnostics criteria. Collection method: clinical testing. Allele origin: unknown.
Comment: The MAX c.100A>T (p.Lys34*) variant is predicted to cause the premature termination of MAX protein synthesis. This variant has not been reported in individuals with MAX-related conditions in the published literature. This variant has not been reported in large, multi-ethnic general populations (Genome Aggregation Database). Based on the available information, this variant is classified as likely pathogenic.

Labcorp Genetics (formerly Invitae), Labcorp
Classification: Pathogenic for Hereditary pheochromocytoma and paraganglioma. Last evaluated: 2024-08-06. Review status: criteria provided, single submitter. Criteria: Invitae Variant Classification Sherloc (09022015). Collection method: clinical testing. Allele origin: germline.
Comment: This sequence change creates a premature translational stop signal (p.Lys34*) in the MAX gene. It is expected to result in an absent or disrupted protein product. Loss-of-function variants in MAX are known to be pathogenic (PMID: 21685915, 26070438). This variant is not present in population databases (gnomAD no frequency). This variant has not been reported in the literature in individuals affected with MAX-related conditions. For these reasons, this variant has been classified as Pathogenic.

Literature cited by the submitters: PubMed 21685915 (cited by Labcorp Genetics (formerly Invitae), Labcorp); PubMed 26070438 (cited by Labcorp Genetics (formerly Invitae), Labcorp).

NM_002382.5(MAX):c.100A>T (p.Lys34Ter)

Genes: MAX (MYC associated transcriptional regulator X; minus strand), MAX-AS1 (MAX antisense RNA 1; plus strand). Cytogenetic location: 14q23.3.
Variant type: single nucleotide variant.
Coding change: c.100A>T on transcript NM_002382.5 (MANE Select); coding-DNA position 100, A replaced by T.
Protein change: p.Lys34Ter; replaces lysine 34 with a stop codon.
Molecular consequence: nonsense. On other transcripts: 5 prime UTR variant (6), non-coding transcript variant (12), missense variant (1), intron variant (1).
Genome position (GRCh38, 1-based): chr14:65,093,779, T>A on the plus strand (A>T on the coding strand, the complement: MAX is on the minus strand). VCF-style: chr14-65093779-T-A. GRCh37 (hg19) VCF-style: chr14-65560497-T-A.
Other names: c.73A>T, p.Lys25Ter (NM_001407102.1, NM_001407108.1, NM_001407109.1 and 9 more transcripts); c.100A>T, p.Lys34Ter (NM_001407103.1, NM_001407104.1, NM_001407094.1 and 5 more transcripts); c.-175A>T (NM_001407105.1, NM_001407106.1, NM_001407107.1 and 1 more transcripts); c.-268A>T (NM_001407111.1, NM_001407112.1); c.100A>T (NM_002382.4); c.123A>T, p.Glu41Asp (NM_001407114.1); c.63+7767A>T (NM_001407098.1); short protein forms K34*, E41D, K25*.
Identifiers: ClinVar variation 3661509 (VCV003661509.3).